The following is an entry in ClinVar:

ClinVar aggregate classification (germline): Uncertain significance (1 of 4 stars; one submission).

Conditions:
Inborn genetic diseases. Identifiers: MedGen C0950123, MeSH D030342.

gnomAD v4.1: 28 of 1,612,466 alleles (0.0017%); highest among the groups gnomAD compares: African/African-American, 0.023%; no homozygotes.

Submission:

Ambry Genetics
Classification: Uncertain significance for Inborn genetic diseases. Last evaluated: 2026-01-20. Review status: criteria provided, single submitter. Criteria: Ambry Variant Classification Scheme 2023. Collection method: clinical testing. Allele origin: germline.
Comment: The c.5231G>C (p.R1744P) alteration is located in exon 34 (coding exon 34) of the CHD3 gene. This alteration results from a G to C substitution at nucleotide position 5231, causing the arginine (R) at amino acid position 1744 to be replaced by a proline (P). Based on data from gnomAD, the C allele has an overall frequency of 0.001% (3/282472) total alleles studied. The highest observed frequency was 0.012% (3/24934) of African alleles. Based on insufficient or conflicting evidence, the clinical significance of this alteration remains unclear.

NM_001005273.3(CHD3):c.5054G>C (p.Arg1685Pro)

Gene: CHD3 (chromodomain helicase DNA binding protein 3; plus strand). Cytogenetic location: 17p13.1.
Variant type: single nucleotide variant.
Coding change: c.5054G>C on transcript NM_001005273.3 (MANE Select); coding-DNA position 5054, G replaced by C.
Protein change: p.Arg1685Pro; replaces arginine 1685 with proline.
Molecular consequence: missense variant.
Genome position (GRCh38, 1-based): chr17:7,907,921, G>C. VCF-style: chr17-7907921-G-C. GRCh37 (hg19) VCF-style: chr17-7811239-G-C.
Other names: c.5231G>C, p.Arg1744Pro (NM_001005271.3, NM_001437504.1); c.5219G>C, p.Arg1740Pro (NM_001437507.1); c.5117G>C, p.Arg1706Pro (NM_001437508.1); c.5222G>C, p.Arg1741Pro (NM_001437509.1); c.4952G>C, p.Arg1651Pro (NM_005852.4); short protein forms R1651P, R1685P, R1740P, R1744P, R1706P, R1741P.
Identifiers: ClinVar variation 4829007 (VCV004829007.1).